The following is an entry in ClinVar:

NM_000551.4(VHL):c.488T>G (p.Leu163Arg)

Genes: VHL (von Hippel-Lindau tumor suppressor; plus strand), LOC107303340 (3p25 von Hippel-Lindau tumor suppressor, E3 ubiquitin protein ligase Alu-mediated recombination region; plus strand). Cytogenetic location: 3p25.3.
Variant type: single nucleotide variant.
Coding change: c.488T>G on transcript NM_000551.4 (MANE Select); coding-DNA position 488, T replaced by G.
Protein change: p.Leu163Arg; replaces leucine 163 with arginine.
Molecular consequence: missense variant. On other transcripts: 3 prime UTR variant (1).
Genome position (GRCh38, 1-based): chr3:10,149,811, T>G. VCF-style: chr3-10149811-T-G. GRCh37 (hg19) VCF-style: chr3-10191495-T-G.
Other names: c.*42T>G (NM_001354723.2); c.365T>G, p.Leu122Arg (NM_198156.3); short protein forms L163R, L122R.
Identifiers: ClinVar variation 411955 (VCV000411955.7), dbSNP rs28940297, ClinGen allele CA16611277.

ClinVar aggregate classification (germline): Pathogenic. Review status: criteria provided, multiple submitters, no conflicts (2 of 4 stars). 2 submissions from 2 submitters: Pathogenic (2). Last evaluated 2025-06-11.

Conditions:
Von Hippel-Lindau syndrome (VHLS). Also called: Von Hippel-Lindau; VHL syndrome; von Hippel–Lindau syndrome. Identifiers: Orphanet 892, MedGen C0019562, MONDO:0008667, OMIM 193300. Disease mechanism: loss of function.
Chuvash polycythemia. Also called: POLYCYTHEMIA, VHL-DEPENDENT. Identifiers: Orphanet 238557, MedGen C1837915, MONDO:0009892, OMIM 263400.

Submissions (2):

Centro de Investigaciones Endocrinológicas “Dr. César Bergadá” (CEDIE), Unidad de Investigacion Traslacional (UIT), Hospital de Niños Dr. Ricardo Gutiérrez
Classification: Pathogenic for Von Hippel-Lindau syndrome. Last evaluated: 2025-06-11. Review status: criteria provided, single submitter. Criteria: ACMG Guidelines, 2015. Collection method: clinical testing. Allele origin: germline. Inheritance: Autosomal dominant inheritance. Affected: yes. Observed: 1 heterozygote.
Comment: The p.Leu163Arg variant is classified as pathogenic according to ACMG guidelines. This variant results in the substitution of leucine by arginine at position 163 of the protein NP_000542.1 (p.Leu163Arg). It is absent from population databases such as gnomADv4 (PM2_supporting). The variant is located within the VHL box domain, responsible for interaction with the Elongin BC complex (PM1_strong). Bioinformatic tools predict a deleterious effect on protein function, with a high REVEL score of 0.945. ClinVar and UniProt report two pathogenic alternative variants at this position: chr3:10149811 T>C (Leu163Pro) classified as pathogenic by UniProt and chr3:10149810 C>T (Leu163Phe) classified as pathogenic by ClinVar (PM5). Functional studies have demonstrated the pathogenicity of p.Leu163Arg, as in vivo experiments showed the variant’s inability to suppress tumor growth (PMID:35388293) (PS3_supporting). ClinVar contains a pathogenic entry for this variant (SCV000553373.6). Additionally, familial segregation analysis supports pathogenicity, with two affected individuals carrying the variant and showing consistent genotype-phenotype correlation (PMID:15607616) (PS4).

Labcorp Genetics (formerly Invitae), Labcorp
Classification: Pathogenic for Von Hippel-Lindau syndrome; Chuvash polycythemia. Last evaluated: 2021-11-24. Review status: criteria provided, single submitter. Criteria: Invitae Variant Classification Sherloc (09022015). Collection method: clinical testing. Allele origin: germline.
Comment: This sequence change replaces leucine, which is neutral and non-polar, with arginine, which is basic and polar, at codon 163 of the VHL protein (p.Leu163Arg). This variant is not present in population databases (gnomAD no frequency). This missense change has been observed in individuals with clinical features of von-Hippel Lindau syndrome (PMID: 15607616; Invitae). ClinVar contains an entry for this variant (Variation ID: 411955). Advanced modeling of protein sequence and biophysical properties (such as structural, functional, and spatial information, amino acid conservation, physicochemical variation, residue mobility, and thermodynamic stability) performed at Invitae indicates that this missense variant is expected to disrupt VHL protein function. This variant disrupts the p.Leu163 amino acid residue in VHL. Other variant(s) that disrupt this residue have been determined to be pathogenic (Invitae). This suggests that this residue is clinically significant, and that variants that disrupt this residue are likely to be disease-causing. For these reasons, this variant has been classified as Pathogenic.

Literature cited by the submitters: PubMed 15607616 (cited by Centro de Investigaciones Endocrinológicas “Dr. César Bergadá” (CEDIE), Unidad de Investigacion Traslacional (UIT), Hospital de Niños Dr. Ricardo Gutiérrez and Labcorp Genetics (formerly Invitae), Labcorp); PubMed 23147026 (cited by Centro de Investigaciones Endocrinológicas “Dr. César Bergadá” (CEDIE), Unidad de Investigacion Traslacional (UIT), Hospital de Niños Dr. Ricardo Gutiérrez); PubMed 35388293 (cited by Centro de Investigaciones Endocrinológicas “Dr. César Bergadá” (CEDIE), Unidad de Investigacion Traslacional (UIT), Hospital de Niños Dr. Ricardo Gutiérrez).